The following is an entry in ClinVar:

NM_001199397.3(NEK1):c.552-270A>G

Gene: NEK1 (NIMA related kinase 1; minus strand). Cytogenetic location: 4q33.
Variant type: single nucleotide variant.
Coding change: c.552-270A>G on transcript NM_001199397.3 (MANE Select); 270 bases into the intron before coding-DNA position 552, A replaced by G.
Molecular consequence: intron variant.
Genome position (GRCh38, 1-based): chr4:169,587,883, T>C on the plus strand (A>G on the coding strand, the complement: NEK1 is on the minus strand). VCF-style: chr4-169587883-T-C. GRCh37 (hg19) VCF-style: chr4-170509034-T-C.
Other names: c.552-270A>G (NM_001374421.1, NM_001374420.1, NM_001199399.3 and 7 more transcripts).
Identifiers: ClinVar variation 674178 (VCV000674178.1), dbSNP rs72974758, ClinGen allele CA11880398.

ClinVar aggregate classification (germline): Benign (1 of 4 stars; one submission).

Allele frequency attached by ClinVar (database versions not stated): TOPMed 0.09218; gnomAD 0.09246 and 0.09276; 1000 Genomes Project 30x 0.09603; 1000 Genomes Project 0.09804.
gnomAD v4.1: 14,212 of 152,110 alleles (9.3%); highest among the groups gnomAD compares: East Asian, 17%; 752 homozygotes.

Submission:

GeneDx
Classification: Benign. Last evaluated: 2018-06-19. Review status: criteria provided, single submitter. Criteria: GeneDx Variant Classification (06012015). Collection method: clinical testing. Allele origin: germline. Affected: yes.
Comment: This variant is considered likely benign or benign based on one or more of the following criteria: it is a conservative change, it occurs at a poorly conserved position in the protein, it is predicted to be benign by multiple in silico algorithms, and/or has population frequency not consistent with disease.